The following is an entry in ClinVar:

NM_015559.3(SETBP1):c.4643C>A (p.Pro1548His)

Gene: SETBP1 (SET binding protein 1; plus strand). Cytogenetic location: 18q12.3.
Variant type: single nucleotide variant.
Coding change: c.4643C>A on transcript NM_015559.3 (MANE Select); coding-DNA position 4643, C replaced by A.
Protein change: p.Pro1548His; replaces proline 1548 with histidine.
Molecular consequence: missense variant.
Genome position (GRCh38, 1-based): chr18:45,063,550, C>A. VCF-style: chr18-45063550-C-A. GRCh37 (hg19) VCF-style: chr18-42643515-C-A.
Other names: c.4643C>A, p.Pro1548His (NM_001379141.1, NM_001379142.1); c.4472C>A, p.Pro1491His (NM_001410862.1); short protein forms P1548H, P1491H.
Identifiers: ClinVar variation 3667043 (VCV003667043.2).
Genomic context (GRCh38, chr18:45,063,550, plus strand): 5'-CGCCCCTGCCGCCACCGCCGCCACCACCCCTGCCCCCGCCACCCCCTCTACCCAAGACCC[C>A]CCGAGGCGGAAAGAGGAAACACAAACCGCAGGCCCCCGCTCAGCCCCCACAGCAGTCGCC-3'
Protein context (NP_056374.2, residues 1538-1558): LPPPPPLPKT[Pro1548His]RGGKRKHKPQ

ClinVar aggregate classification (germline): Uncertain significance (1 of 4 stars; one submission).

gnomAD v4.1: 3 of 1,495,396 alleles (0.0002%); highest among the groups gnomAD compares: African/African-American, 0.0014%; no homozygotes.

Submission:

Labcorp Genetics (formerly Invitae), Labcorp
Classification: Uncertain significance. Last evaluated: 2024-12-31. Review status: criteria provided, single submitter. Criteria: Invitae Variant Classification Sherloc (09022015). Collection method: clinical testing. Allele origin: germline.
Comment: This sequence change replaces proline, which is neutral and non-polar, with histidine, which is basic and polar, at codon 1548 of the SETBP1 protein (p.Pro1548His). This variant is not present in population databases (gnomAD no frequency). This variant has not been reported in the literature in individuals affected with SETBP1-related conditions. Invitae Evidence Modeling of protein sequence and biophysical properties (such as structural, functional, and spatial information, amino acid conservation, physicochemical variation, residue mobility, and thermodynamic stability) indicates that this missense variant is not expected to disrupt SETBP1 protein function with a negative predictive value of 80%. In summary, the available evidence is currently insufficient to determine the role of this variant in disease. Therefore, it has been classified as a Variant of Uncertain Significance.